The following is an entry in ClinVar:

ClinVar aggregate classification (germline): Uncertain significance (1 of 4 stars; one submission).

Conditions:
Developmental and epileptic encephalopathy, 14 (DEE14). Also called: Early infantile epileptic encephalopathy 14. Identifiers: Orphanet 293181, MedGen C3554195, MONDO:0013989, OMIM 614959.
Autosomal dominant nocturnal frontal lobe epilepsy 5. Also called: CILIARY DYSKINESIA, PRIMARY, 28, WITH SITUS INVERSUS; Epilepsy, nocturnal frontal lobe, 5; CILIARY DYSKINESIA, PRIMARY, 28, WITHOUT SITUS INVERSUS; KCNT1-Related Epilepsy. Identifiers: Orphanet 98784, MedGen C3554306, MONDO:0014002, OMIM 615005.

Submission:

Labcorp Genetics (formerly Invitae), Labcorp
Classification: Uncertain significance for Autosomal dominant nocturnal frontal lobe epilepsy 5; Developmental and epileptic encephalopathy, 14. Last evaluated: 2016-07-11. Review status: criteria provided, single submitter. Criteria: Invitae Variant Classification Sherloc (09022015). Collection method: clinical testing. Allele origin: germline.
Comment: In summary, this variant is a novel missense change with uncertain impact on protein function. It has been classified as a Variant of Uncertain Significance. This variant is not present in population databases (ExAC no frequency) and has not been reported in the literature in individuals with a KCNT1-related disease. Algorithms developed to predict the effect of missense changes on protein structure and function do not agree on the potential impact of this missense change (SIFT: "Deleterious"; PolyPhen-2: "Benign"; Align-GVGD: "Class C0"). This sequence change replaces arginine with glycine at codon 1082 of the KCNT1 protein (p.Arg1082Gly). The arginine residue is moderately conserved and there is a moderate physicochemical difference between arginine and glycine.

NM_020822.3(KCNT1):c.3244C>G (p.Arg1082Gly)

Gene: KCNT1 (potassium sodium-activated channel subfamily T member 1; plus strand). Cytogenetic location: 9q34.3.
Variant type: single nucleotide variant.
Coding change: c.3244C>G on transcript NM_020822.3 (MANE Select); coding-DNA position 3244, C replaced by G.
Protein change: p.Arg1082Gly; replaces arginine 1082 with glycine.
Molecular consequence: missense variant.
Genome position (GRCh38, 1-based): chr9:135,786,263, C>G. VCF-style: chr9-135786263-C-G. GRCh37 (hg19) VCF-style: chr9-138678109-C-G.
Other names: c.3109C>G, p.Arg1037Gly (NM_001272003.2); short protein forms R1082G, R1037G.
Identifiers: ClinVar variation 412306 (VCV000412306.9), dbSNP rs776232246, ClinGen allele CA16612656.
Genomic context (GRCh38, chr9:135,786,263, plus strand): 5'-ATCTCGGTGAACGTGGAGGACTGTGAGGACACACGGGAAGTGAAGGGGCCCTGGGGCTCC[C>G]GCGCTGGCACCGGAGGCAGCTCCCAGGGCCGCCACACGGGCGGCGGTGACCCCGCAGAGC-3'
Protein context (NP_065873.2, residues 1072-1092): TREVKGPWGS[Arg1082Gly]AGTGGSSQGR